The following is an entry in ClinVar:

NM_182914.3(SYNE2):c.2260A>C (p.Lys754Gln)

Gene: SYNE2 (spectrin repeat containing nuclear envelope protein 2; plus strand). Cytogenetic location: 14q23.2.
Variant type: single nucleotide variant.
Coding change: c.2260A>C on transcript NM_182914.3 (MANE Select); coding-DNA position 2260, A replaced by C.
Protein change: p.Lys754Gln; replaces lysine 754 with glutamine.
Molecular consequence: missense variant.
Genome position (GRCh38, 1-based): chr14:63,986,564, A>C. VCF-style: chr14-63986564-A-C. GRCh37 (hg19) VCF-style: chr14-64453282-A-C.
Other names: c.2260A>C, p.Lys754Gln (NM_015180.6); short protein forms K754Q.
Identifiers: ClinVar variation 470967 (VCV000470967.8), dbSNP rs201892861, ClinGen allele CA7219644.
Genomic context (GRCh38, chr14:63,986,564, plus strand): 5'-AAAGTGGCTAAAGATGTTGAAAAACTCATTGGACAAGTGGAAATCTGGGAGGCAGAAGCC[A>C]AATCTGTTTTGGATCAAGATGATGTGGACACCTCAATGGAAGAATCTTTGAAGGTATGTG-3'
Protein context (NP_878918.2, residues 744-764): GQVEIWEAEA[Lys754Gln]SVLDQDDVDT

ClinVar aggregate classification (germline): Uncertain significance (1 of 4 stars; one submission).

Conditions:
Emery-Dreifuss muscular dystrophy 5, autosomal dominant (EDMD5). Also called: EMERY-DREIFUSS MUSCULAR DYSTROPHY 5. Identifiers: Orphanet 261, MedGen C2751805, MONDO:0013072, OMIM 612999.

Allele frequency attached by ClinVar (database versions not stated): gnomAD 0.00001; gnomAD exomes 0.00001 and 0.00002; TOPMed 0.00001; ExAC 0.00002; ESP Exome Variant Server 0.00008.

Submission:

Labcorp Genetics (formerly Invitae), Labcorp
Classification: Uncertain significance for Emery-Dreifuss muscular dystrophy 5, autosomal dominant. Last evaluated: 2020-04-20. Review status: criteria provided, single submitter. Criteria: Invitae Variant Classification Sherloc (09022015). Collection method: clinical testing. Allele origin: germline.
Comment: In summary, the available evidence is currently insufficient to determine the role of this variant in disease. Therefore, it has been classified as a Variant of Uncertain Significance. Algorithms developed to predict the effect of missense changes on protein structure and function (SIFT, PolyPhen-2, Align-GVGD) all suggest that this variant is likely to be tolerated, but these predictions have not been confirmed by published functional studies and their clinical significance is uncertain. This variant has not been reported in the literature in individuals with SYNE2-related disease. This variant is present in population databases (rs201892861, ExAC 0.003%). This sequence change replaces lysine with glutamine at codon 754 of the SYNE2 protein (p.Lys754Gln). The lysine residue is weakly conserved and there is a small physicochemical difference between lysine and glutamine.